The following is an entry in ClinVar:

ClinVar aggregate classification (germline): Likely benign. Review status: criteria provided, multiple submitters, no conflicts (2 of 4 stars). 2 submissions from 2 submitters: Likely benign (2). Last evaluated 2026-01-25.

Conditions:
Stormorken syndrome (STRMK). Also called: THROMBOCYTOPATHY, ASPLENIA, AND MIOSIS. Identifiers: Orphanet 3204, MedGen C1861451, MONDO:0008497, OMIM 185070.
Myopathy with tubular aggregates (TAM). Also called: Tubular Aggregate Myopathy. Identifiers: Orphanet 2593, MedGen C0410207, MONDO:0008051.
Combined immunodeficiency due to STIM1 deficiency. Also called: STIM1 DEFICIENCY; IMMUNODEFICIENCY 10. Identifiers: Orphanet 169090, Orphanet 317430, MedGen C2748557, MONDO:0013008, OMIM 612783.

gnomAD v4.1: 29 of 1,613,616 alleles (0.0018%); highest among the groups gnomAD compares: South Asian, 0.0044%; no homozygotes.

Submissions (2):

Labcorp Genetics (formerly Invitae), Labcorp
Classification: Likely benign for Myopathy with tubular aggregates; Combined immunodeficiency due to STIM1 deficiency; Stormorken syndrome. Last evaluated: 2026-01-25. Review status: criteria provided, single submitter. Criteria: Invitae Variant Classification Sherloc (09022015). Collection method: clinical testing. Allele origin: germline.

CeGaT Center for Human Genetics Tuebingen
Classification: Likely benign. Last evaluated: 2025-01-01. Review status: criteria provided, single submitter. Criteria: CeGaT Center For Human Genetics Tuebingen Variant Classification Criteria Version 2. Collection method: clinical testing. Allele origin: germline. Affected: yes. Observed: 2 variant alleles.
Comment: STIM1: BP4, BP7

NM_001382567.1(STIM1):c.1461C>T (p.Pro487=)

Gene: STIM1 (stromal interaction molecule 1; plus strand). Cytogenetic location: 11p15.4.
Variant type: single nucleotide variant.
Coding change: c.1461C>T on transcript NM_001382567.1 (MANE Select); coding-DNA position 1461, C replaced by T.
Protein change: p.Pro487=; no amino-acid change (proline 487 retained).
Molecular consequence: synonymous variant. On other transcripts: non-coding transcript variant (2).
Genome position (GRCh38, 1-based): chr11:4,083,485, C>T. VCF-style: chr11-4083485-C-T. GRCh37 (hg19) VCF-style: chr11-4104715-C-T.
Other names: c.1461C>T, p.Pro487= (NM_001277961.3, NM_001277962.2, NM_003156.4); c.1239C>T, p.Pro413= (NM_001382566.1, NM_001382573.1, NM_001382575.1 and 4 more transcripts); c.1482C>T, p.Pro494= (NM_001382568.1); c.1326C>T, p.Pro442= (NM_001382569.1); c.1233C>T, p.Pro411= (NM_001382570.1); c.981C>T, p.Pro327= (NM_001382571.1); c.972C>T, p.Pro324= (NM_001382580.1, NM_001382581.1).
Identifiers: ClinVar variation 1541149 (VCV001541149.32), dbSNP rs751169800, ClinGen allele CA5830472.